The following is an entry in ClinVar:

NM_001378183.1(PIEZO2):c.409T>C (p.Trp137Arg)

Gene: PIEZO2 (piezo type mechanosensitive ion channel component 2; minus strand). Cytogenetic location: 18p11.22.
Variant type: single nucleotide variant.
Coding change: c.409T>C on transcript NM_001378183.1 (MANE Select); coding-DNA position 409, T replaced by C.
Protein change: p.Trp137Arg; replaces tryptophan 137 with arginine.
Molecular consequence: missense variant.
Genome position (GRCh38, 1-based): chr18:10,871,336, A>G on the plus strand (T>C on the coding strand, the complement: PIEZO2 is on the minus strand). VCF-style: chr18-10871336-A-G. GRCh37 (hg19) VCF-style: chr18-10871334-A-G.
Other names: c.409T>C, p.Trp137Arg (NM_001410871.1, NM_022068.4); short protein forms W137R.
Identifiers: ClinVar variation 4800928 (VCV004800928.1).

ClinVar aggregate classification (germline): Uncertain significance (1 of 4 stars; one submission).

gnomAD v4.1: 1 of 1,537,342 alleles (0.000065%); highest among the groups gnomAD compares: Non-Finnish European, 0.000087%; no homozygotes.

Submission:

Labcorp Genetics (formerly Invitae), Labcorp
Classification: Uncertain significance. Last evaluated: 2026-01-08. Review status: criteria provided, single submitter. Criteria: Invitae Variant Classification Sherloc (09022015). Collection method: clinical testing. Allele origin: germline.
Comment: This sequence change replaces tryptophan, which is neutral and slightly polar, with arginine, which is basic and polar, at codon 137 of the PIEZO2 protein (p.Trp137Arg). This variant is not present in population databases (gnomAD no frequency). This variant has not been reported in the literature in individuals affected with PIEZO2-related conditions. Invitae Evidence Modeling of protein sequence and biophysical properties (such as structural, functional, and spatial information, amino acid conservation, physicochemical variation, residue mobility, and thermodynamic stability) indicates that this missense variant is not expected to disrupt PIEZO2 protein function with a negative predictive value of 80%. In summary, the available evidence is currently insufficient to determine the role of this variant in disease. Therefore, it has been classified as a Variant of Uncertain Significance.